The following is an entry in ClinVar:

NM_001083961.2(WDR62):c.2260C>T (p.Gln754Ter)

Gene: WDR62 (WD repeat domain 62; plus strand). Cytogenetic location: 19q13.12.
Variant type: single nucleotide variant.
Coding change: c.2260C>T on transcript NM_001083961.2 (MANE Select); coding-DNA position 2260, C replaced by T.
Protein change: p.Gln754Ter; replaces glutamine 754 with a stop codon.
Molecular consequence: nonsense.
Genome position (GRCh38, 1-based): chr19:36,092,738, C>T. VCF-style: chr19-36092738-C-T. GRCh37 (hg19) VCF-style: chr19-36583640-C-T.
Other names: c.2260C>T, p.Gln754Ter (NM_173636.5); short protein forms Q754*.
Identifiers: ClinVar variation 1333548 (VCV001333548.1), dbSNP rs2145795692, ClinGen allele CA405444022.

ClinVar aggregate classification (germline): Likely pathogenic (1 of 4 stars; one submission).

Conditions:
Microcephaly 2, primary, autosomal recessive, with or without cortical malformations. Also called: WDR62 Primary Microcephaly; MICROCEPHALY 2, PRIMARY, AUTOSOMAL RECESSIVE, WITH CORTICAL MALFORMATIONS. Identifiers: Orphanet 2512, MedGen C1858535, MONDO:0011435, OMIM 604317.

Allele frequency attached by ClinVar (database versions not stated): gnomAD exomes below 0.00001.
gnomAD v4.1: 4 of 1,614,196 alleles (0.00025%); highest among the groups gnomAD compares: Non-Finnish European, 0.00034%; no homozygotes.

Submission:

3billion
Classification: Likely pathogenic for Microcephaly 2, primary, autosomal recessive, with or without cortical malformations. Last evaluated: 2022-01-03. Review status: criteria provided, single submitter. Criteria: ACMG Guidelines, 2015. Collection method: clinical testing. Allele origin: germline. Affected: yes. Observed: 1 heterozygote.
Comment: Stop-gained (nonsense): predicted to result in a loss or disruption of normal protein function through nonsense-mediated decay (NMD) or protein truncation. Multiple pathogenic variants are reported downstream of the variant (PVS1_VS). It is not observed in the gnomAD v2.1.1 dataset (PM2_M). Therefore, this variant is classified as likely pathogenic according to the recommendation of ACMG/AMP guideline.